The following is an entry in ClinVar:

NM_004928.3(CFAP410):c.42C>T (p.Ala14=)

Genes: CFAP410 (cilia and flagella associated protein 410; minus strand), LOC130066823 (ATAC-STARR-seq lymphoblastoid silent region 13383; plus strand). Cytogenetic location: 21q22.3.
Variant type: single nucleotide variant.
Coding change: c.42C>T on transcript NM_004928.3 (MANE Select); coding-DNA position 42, C replaced by T.
Protein change: p.Ala14=; no amino-acid change (alanine 14 retained).
Molecular consequence: synonymous variant.
Genome position (GRCh38, 1-based): chr21:44,339,153, G>A on the plus strand (C>T on the coding strand, the complement: CFAP410 is on the minus strand). VCF-style: chr21-44339153-G-A. GRCh37 (hg19) VCF-style: chr21-45759036-G-A.
Other names: c.42C>T, p.Ala14= (NM_001271440.2, NM_001271441.2); c.42C>T (NM_004928.2).
Identifiers: ClinVar variation 1080032 (VCV001080032.10), dbSNP rs750956343, ClinGen allele CA10053917.

ClinVar aggregate classification (germline): Likely benign. Review status: criteria provided, multiple submitters, no conflicts (2 of 4 stars). 2 submissions from 2 submitters: Likely benign (2). Last evaluated 2026-08-06.

Conditions:
CFAP410-related disorder. Also called: CFAP410-related condition.

Allele frequency attached by ClinVar (database versions not stated): gnomAD 0.00011 and 0.00014; 1000 Genomes Project 30x 0.00016; TOPMed 0.00018.

Submissions (2):

PreventionGenetics, part of Exact Sciences
Classification: Likely benign for CFAP410-related condition. Last evaluated: 2026-08-06. Review status: criteria provided, single submitter. Criteria: ACMG Guidelines, 2015. Collection method: clinical testing. Allele origin: germline.
Comment: This variant is classified as likely benign based on ACMG/AMP sequence variant interpretation guidelines (Richards et al. 2015 PMID: 25741868, with internal and published modifications).

Labcorp Genetics (formerly Invitae), Labcorp
Classification: Likely benign. Last evaluated: 2025-12-26. Review status: criteria provided, single submitter. Criteria: Invitae Variant Classification Sherloc (09022015). Collection method: clinical testing. Allele origin: germline.